The following is an entry in ClinVar:

NM_032043.3(BRIP1):c.3560C>T (p.Ala1187Val)

Gene: BRIP1 (BRCA1 interacting DNA helicase 1; minus strand). Cytogenetic location: 17q23.2.
Variant type: single nucleotide variant.
Coding change: c.3560C>T on transcript NM_032043.3 (MANE Select); coding-DNA position 3560, C replaced by T.
Protein change: p.Ala1187Val; replaces alanine 1187 with valine.
Molecular consequence: missense variant.
Genome position (GRCh38, 1-based): chr17:61,683,486, G>A on the plus strand (C>T on the coding strand, the complement: BRIP1 is on the minus strand). VCF-style: chr17-61683486-G-A. GRCh37 (hg19) VCF-style: chr17-59760847-G-A.
Other names: short protein forms A1187V.
Identifiers: ClinVar variation 647303 (VCV000647303.11), dbSNP rs1603274878, ClinGen allele CA400478252.
Genomic context (GRCh38, chr17:61,683,486, plus strand): 5'-TCAATTTTACTTTCTTCAATATGCAGAATTCCATTCAACTTTGTATCTATGCAATCCTCA[G>A]CTTTCACTTCTCTGGCTGAATCTACTTCTTTTATAGTTCTAATTTCAAAAAGGTCTTTAG-3'
Protein context (NP_114432.2, residues 1177-1197): KEVDSAREVK[Ala1187Val]EDCIDTKLNG

ClinVar aggregate classification (germline): Uncertain significance. Review status: criteria provided, multiple submitters, no conflicts (2 of 4 stars). 2 submissions from 2 submitters: Uncertain significance (2). Last evaluated 2023-04-11.

Conditions:
Familial cancer of breast. Also called: hereditary breast carcinoma; BREAST CANCER, FAMILIAL; Hereditary breast cancer. Identifiers: Orphanet 227535, MedGen C0346153, MONDO:0016419, OMIM 114480. Disease mechanism: loss of function.
Fanconi anemia complementation group J. Also called: BRIP1-Related Fanconi Anemia. Identifiers: Orphanet 84, MedGen C1836860, MONDO:0012187, OMIM 609054.
Hereditary cancer-predisposing syndrome. Also called: Hereditary Cancer Syndrome; Tumor predisposition; Neoplastic Syndromes, Hereditary; Hereditary neoplastic syndrome. Identifiers: Orphanet 140162, MedGen C0027672, MeSH D009386, MONDO:0015356.

Submissions (2):

Ambry Genetics
Classification: Uncertain significance for Hereditary cancer-predisposing syndrome. Last evaluated: 2023-04-11. Review status: criteria provided, single submitter. Criteria: Ambry Variant Classification Scheme 2023. Collection method: clinical testing. Allele origin: germline.
Comment: The p.A1187V variant (also known as c.3560C>T), located in coding exon 19 of the BRIP1 gene, results from a C to T substitution at nucleotide position 3560. The alanine at codon 1187 is replaced by valine, an amino acid with similar properties. This amino acid position is conserved. In addition, this alteration is predicted to be tolerated by in silico analysis. Since supporting evidence is limited at this time, the clinical significance of this alteration remains unclear.

Labcorp Genetics (formerly Invitae), Labcorp
Classification: Uncertain significance for Familial cancer of breast; Fanconi anemia complementation group J. Last evaluated: 2020-04-10. Review status: criteria provided, single submitter. Criteria: Invitae Variant Classification Sherloc (09022015). Collection method: clinical testing. Allele origin: germline.
Comment: This sequence change replaces alanine with valine at codon 1187 of the BRIP1 protein (p.Ala1187Val). The alanine residue is weakly conserved and there is a small physicochemical difference between alanine and valine. This variant is not present in population databases (ExAC no frequency). This variant has not been reported in the literature in individuals with BRIP1-related conditions. ClinVar contains an entry for this variant (Variation ID: 647303). In summary, the available evidence is currently insufficient to determine the role of this variant in disease. Therefore, it has been classified as a Variant of Uncertain Significance. Algorithms developed to predict the effect of missense changes on protein structure and function output the following: SIFT: "Tolerated"; PolyPhen-2: "Benign"; Align-GVGD: "Class C0". The valine amino acid residue is found in multiple mammalian species, suggesting that this missense change does not adversely affect protein function. These predictions have not been confirmed by published functional studies and their clinical significance is uncertain.